The following is an entry in ClinVar:

NM_002055.5(GFAP):c.1171+475_1171+482delinsATC

Gene: GFAP (glial fibrillary acidic protein; minus strand). Cytogenetic location: 17q21.31.
Variant type: Indel.
Coding change: c.1171+475_1171+482delinsATC on transcript NM_002055.5 (MANE Select); bases 475 to 482 of the intron after coding-DNA position 1171, GTTAGCTG replaced by ATC.
Molecular consequence: intron variant. On other transcripts: frameshift variant (1), 3 prime UTR variant (1), splice donor variant (1).
Genome position (GRCh38, 1-based): chr17:44,910,133-44,910,140, CAGCTAAC replaced by GAT on the plus strand (GTTAGCTG replaced by ATC on the coding strand, the reverse complement: GFAP is on the minus strand). VCF-style: chr17-44910133-CAGCTAAC-GAT. GRCh37 (hg19) VCF-style: chr17-42987501-CAGCTAAC-GAT.
Other names: c.1292_*3delinsATC, p.Gly431fs (NM_001131019.3); c.*329_*336delinsATC (NM_001242376.3); c.1291+1_1291+8delinsATC (NM_001363846.2); short protein forms G431fs.
Identifiers: ClinVar variation 190366 (VCV000190366.2), dbSNP rs797044592, ClinGen allele CA347238.

ClinVar aggregate classification (germline): Uncertain significance. Review status: reviewed by expert panel (3 of 4 stars). 2 submissions from 2 submitters: Uncertain significance (1). 1 of the submissions does not count toward it. Last evaluated 2026-08-18.

Conditions:
Alexander disease (ALXDRD). Also called: Alexander's disease. Identifiers: Orphanet 58, MedGen C0270726, MONDO:0008752, OMIM 203450.

Submissions (2):

ClinGen Leukodystrophy and Leukoencephalopathy Variant Curation Expert Panel, ClinGen
Classification: Uncertain significance for Alexander disease. Last evaluated: 2026-08-18. Review status: reviewed by expert panel. Criteria: ClinGen Leuko ACMG Specifications GFAP V1.0. Collection method: curation. Allele origin: germline. Inheritance: Autosomal dominant inheritance.
Comment: The NM_002055.5(GFAP) c.1171+475_1171+482delinsATC variant in GFAP is an 8 bp deletion accompanied by a 3 bp intronic insertion predicted to cause a frameshift in a biologically relevant transcript (NM_001131019.3, epsilon isoform) p.Gly431fs. This variant has been reported to be mosaic to the ectodermal compartment (present in buccal absent in blood) and therefore assumed to be a de novo occurrence in one proband who met consistent diagnostic criteria for Alexander Disease per ClinGen Leukodystrophy and Leukoencephalopathy Expert Panel Specifications to the ACMG/AMP Variant Interpretation Guidelines for GFAP Version 1.0.0 (PS2_Moderate; PMID: 22488673). This variant is absent from gnomAD v[4.1.1] (PM2_Supporting). An in vitro filament assembly assay showed abnormal filament architecture and GFAP aggregation indicating that this variant impacts protein function (PMID: 22488673) (PS3_Moderate). In summary, this variant meets the criteria to be classified a Variant of Uncertain Significance for Alexander Disease based on the ACMG/AMP criteria applied, as specified by the ClinGen Leukodystrophy and Leukoencephalopathy VCEP: PS3_Moderate, PM2_Supporting, PS2_Moderate, (ClinGen Leukodystrophy and Leukoencephalopathy VCEP Specifications Version 1.0.0).

GeneReviews
Classification: Pathogenic for Alexander's disease. Last evaluated: 2015-01-08. Review status: no assertion criteria provided. Collection method: literature only. Allele origin: germline. Affected: yes. Not counted in ClinVar's aggregate classification.

Literature cited by the submitters: PubMed 22488673 (cited by GeneReviews).